The following is an entry in ClinVar:

ClinVar aggregate classification (germline): Likely pathogenic (1 of 4 stars; one submission).

Conditions:
Cockayne syndrome type 2 (CSB). Also called: Cockayne Syndrome, Type II; COCKAYNE SYNDROME B. Identifiers: Orphanet 191, Orphanet 90322, MedGen C0751038, MONDO:0019570, OMIM 133540.

Submission:

Myriad Genetics, Inc.
Classification: Likely pathogenic for Cockayne syndrome type 2. Last evaluated: 2019-05-31. Review status: criteria provided, single submitter. Criteria: Myriad Women's Health Autosomal Recessive and X-Linked Classification Criteria (2019). Collection method: clinical testing. Allele origin: unknown.
Comment: NM_000124.2(ERCC6):c.3448A>T(K1150*) is expected to be pathogenic in the context of ERCC6-related disorders. This variant is predicted to lead to an abnormal or absent protein product due to the creation of a premature termination codon in ERCC6, a gene where loss-of-function variants are known to be pathogenic. Please note: this variant was assessed in the context of healthy population screening.

NM_000124.4(ERCC6):c.3448A>T (p.Lys1150Ter)

Gene: ERCC6 (ERCC excision repair 6, chromatin remodeling factor; minus strand). Cytogenetic location: 10q11.23.
Variant type: single nucleotide variant.
Coding change: c.3448A>T on transcript NM_000124.4 (MANE Select); coding-DNA position 3448, A replaced by T.
Protein change: p.Lys1150Ter; replaces lysine 1150 with a stop codon.
Molecular consequence: nonsense.
Genome position (GRCh38, 1-based): chr10:49,470,512, T>A on the plus strand (A>T on the coding strand, the complement: ERCC6 is on the minus strand). VCF-style: chr10-49470512-T-A. GRCh37 (hg19) VCF-style: chr10-50678558-T-A.
Other names: c.3448A>T, p.Lys1150Ter (NM_001346440.2); short protein forms K1150*.
Identifiers: ClinVar variation 983689 (VCV000983689.3), dbSNP rs1850757159, ClinGen allele CA376714741.